The following is an entry in ClinVar:

NM_001375883.1(GPR161):c.901G>A (p.Val301Ile)

Gene: GPR161 (G protein-coupled receptor 161; minus strand). Cytogenetic location: 1q24.2.
Variant type: single nucleotide variant.
Coding change: c.901G>A on transcript NM_001375883.1 (MANE Select); coding-DNA position 901, G replaced by A.
Protein change: p.Val301Ile; replaces valine 301 with isoleucine.
Molecular consequence: missense variant.
Genome position (GRCh38, 1-based): chr1:168,096,706, C>T on the plus strand (G>A on the coding strand, the complement: GPR161 is on the minus strand). VCF-style: chr1-168096706-C-T. GRCh37 (hg19) VCF-style: chr1-168065944-C-T.
Other names: c.961G>A, p.Val321Ile (NM_001267609.1); c.901G>A, p.Val301Ile (NM_001267610.2, NM_001349632.1, NM_001349633.1 and 5 more transcripts); c.952G>A, p.Val318Ile (NM_001267611.1); c.505G>A, p.Val169Ile (NM_001267612.2, NM_001349635.1); c.667G>A, p.Val223Ile (NM_001267613.1); c.559G>A, p.Val187Ile (NM_001267614.1); short protein forms V169I, V301I, V187I, V318I, V321I, V223I.
Identifiers: ClinVar variation 4752167 (VCV004752167.1).
Genomic context (GRCh38, chr1:168,096,706, plus strand): 5'-GGTGGCAGACAGCGCTGGCAAAGGACAGCCATGTGGCCCAAGTCTCCAGGCTCGGGGAGA[C>T]GGAGCTTTTCCCCCAGAGGGCCTCAGAGGCGATGACAACCATGTAGGGGCCCCAGGTGAC-3'
Protein context (NP_001362812.1, residues 291-311): ASEALWGKSS[Val301Ile]SPSLETWATW

ClinVar aggregate classification (germline): Uncertain significance (1 of 4 stars; one submission).

gnomAD v4.1: 40 of 1,613,972 alleles (0.0025%); highest among the groups gnomAD compares: Admixed American, 0.005%; 1 homozygote.

Submission:

Labcorp Genetics (formerly Invitae), Labcorp
Classification: Uncertain significance. Last evaluated: 2025-07-06. Review status: criteria provided, single submitter. Criteria: Invitae Variant Classification Sherloc (09022015). Collection method: clinical testing. Allele origin: germline.
Comment: This sequence change replaces valine, which is neutral and non-polar, with isoleucine, which is neutral and non-polar, at codon 321 of the GPR161 protein (p.Val321Ile). This variant is present in population databases (rs372585493, gnomAD 0.008%). This variant has not been reported in the literature in individuals affected with GPR161-related conditions. An algorithm developed to predict the effect of missense changes on protein structure and function (PolyPhen-2) suggests that this variant is likely to be tolerated. In summary, the available evidence is currently insufficient to determine the role of this variant in disease. Therefore, it has been classified as a Variant of Uncertain Significance.